The following is an entry in ClinVar:

ClinVar aggregate classification (germline): Uncertain significance. Review status: criteria provided, multiple submitters, no conflicts (2 of 4 stars). 4 submissions from 4 submitters: Uncertain significance (3). 1 of the submissions does not count toward it. Last evaluated 2023-05-17.

Conditions:
Inborn genetic diseases. Identifiers: MedGen C0950123, MeSH D030342.
Autosomal recessive retinitis pigmentosa. Identifiers: MedGen C0339526.

Allele frequency attached by ClinVar (database versions not stated): gnomAD exomes 0.00001 and 0.00003; TOPMed 0.00001; ExAC 0.00002.
gnomAD v4.1: 9 of 1,612,566 alleles (0.00056%); highest among the groups gnomAD compares: East Asian, 0.02%; no homozygotes.

Submissions (4):

Ambry Genetics
Classification: Uncertain significance for Inborn genetic diseases. Last evaluated: 2023-05-17. Review status: criteria provided, single submitter. Criteria: Ambry Variant Classification Scheme 2023. Collection method: clinical testing. Allele origin: germline.

Labcorp Genetics (formerly Invitae), Labcorp
Classification: Uncertain significance. Last evaluated: 2022-07-24. Review status: criteria provided, single submitter. Criteria: Invitae Variant Classification Sherloc (09022015). Collection method: clinical testing. Allele origin: germline.
Comment: This sequence change replaces alanine, which is neutral and non-polar, with threonine, which is neutral and polar, at codon 315 of the EYS protein (p.Ala315Thr). This variant is present in population databases (rs771167869, gnomAD 0.04%). This variant has not been reported in the literature in individuals affected with EYS-related conditions. ClinVar contains an entry for this variant (Variation ID: 991145). Algorithms developed to predict the effect of missense changes on protein structure and function (SIFT, PolyPhen-2, Align-GVGD) all suggest that this variant is likely to be tolerated. In summary, the available evidence is currently insufficient to determine the role of this variant in disease. Therefore, it has been classified as a Variant of Uncertain Significance.

Blueprint Genetics
Classification: Uncertain significance. Last evaluated: 2019-11-01. Review status: criteria provided, single submitter. Criteria: ACMG Guidelines, 2015. Collection method: clinical testing. Allele origin: germline.

Natera, Inc.
Classification: Uncertain significance for Autosomal recessive retinitis pigmentosa. Last evaluated: 2020-09-02. Review status: no assertion criteria provided. Collection method: clinical testing. Allele origin: germline. Not counted in ClinVar's aggregate classification.

NM_001142800.2(EYS):c.943G>A (p.Ala315Thr)

Gene: EYS (EGF-like photoreceptor maintenance factor; minus strand). Cytogenetic location: 6q12.
Variant type: single nucleotide variant.
Coding change: c.943G>A on transcript NM_001142800.2 (MANE Select); coding-DNA position 943, G replaced by A.
Protein change: p.Ala315Thr; replaces alanine 315 with threonine.
Molecular consequence: missense variant.
Genome position (GRCh38, 1-based): chr6:65,405,287, C>T on the plus strand (G>A on the coding strand, the complement: EYS is on the minus strand). VCF-style: chr6-65405287-C-T. GRCh37 (hg19) VCF-style: chr6-66115180-C-T.
Other names: c.943G>A (NM_001142800.1); c.943G>A, p.Ala315Thr (NM_001142801.2, NM_001292009.2, NM_198283.2); short protein forms A315T.
Identifiers: ClinVar variation 991145 (VCV000991145.5), dbSNP rs771167869, ClinGen allele CA3877919.
Genomic context (GRCh38, chr6:65,405,287, plus strand): 5'-CACTGACATCAGTTTCACCATTTTGGCTGGAAGATCCTTTTGGGCATTCATAAGTATAAG[C>T]AGAACTGCTATTTGGGCAAATTCCTCTTTTCCAAAAAAGCAGAGAAACACAAGGTTTTGC-3'
Protein context (NP_001136272.1, residues 305-325): KRGICPNSSS[Ala315Thr]YTYECPKGSS